The following is an entry in ClinVar:

NM_001844.5(COL2A1):c.2854C>A (p.Pro952Thr)

Gene: COL2A1 (collagen type II alpha 1 chain; minus strand). Cytogenetic location: 12q13.11.
Variant type: single nucleotide variant.
Coding change: c.2854C>A on transcript NM_001844.5 (MANE Select); coding-DNA position 2854, C replaced by A.
Protein change: p.Pro952Thr; replaces proline 952 with threonine.
Molecular consequence: missense variant.
Genome position (GRCh38, 1-based): chr12:47,978,638, G>T on the plus strand (C>A on the coding strand, the complement: COL2A1 is on the minus strand). VCF-style: chr12-47978638-G-T. GRCh37 (hg19) VCF-style: chr12-48372421-G-T.
Other names: c.2647C>A, p.Pro883Thr (NM_033150.3); short protein forms P952T, P883T.
Identifiers: ClinVar variation 751462 (VCV000751462.20), dbSNP rs140740708, ClinGen allele CA6534970.

ClinVar aggregate classification (germline): Benign/Likely benign. Review status: criteria provided, multiple submitters, no conflicts (2 of 4 stars). 6 submissions from 5 submitters: Benign (2); Likely benign (4). Last evaluated 2026-06-01.

Conditions:
Type 2 collagenopathy. Identifiers: Orphanet 93421, MedGen C2931073, MONDO:0022800.
Stickler syndrome type 1 (STL1). Also called: COL2A1-Related Stickler Syndrome; ARTHROOPHTHALMOPATHY, HEREDITARY PROGRESSIVE; STICKLER SYNDROME, MEMBRANOUS VITREOUS TYPE; STICKLER SYNDROME, VITREOUS TYPE 1. Identifiers: Orphanet 828, Orphanet 90653, MedGen C2020284, MONDO:0007160, OMIM 108300.

Allele frequency attached by ClinVar (database versions not stated): gnomAD 0.00015 and 0.00029; TOPMed 0.00048; gnomAD exomes 0.00068; ExAC 0.00075; 1000 Genomes Project 30x 0.00219; 1000 Genomes Project 0.00220.
gnomAD v4.1: 330 of 1,613,548 alleles (0.02%); highest among the groups gnomAD compares: East Asian, 0.55%; 3 homozygotes.

Submissions (6):

CeGaT Center for Human Genetics Tuebingen
Classification: Likely benign. Last evaluated: 2026-06-01. Review status: criteria provided, single submitter. Criteria: CeGaT Center For Human Genetics Tuebingen Variant Classification Criteria Version 2. Collection method: clinical testing. Allele origin: germline. Affected: yes. Observed: 1 variant allele.
Comment: COL2A1: BS1

Labcorp Genetics (formerly Invitae), Labcorp
Classification: Benign. Last evaluated: 2025-12-15. Review status: criteria provided, single submitter. Criteria: Invitae Variant Classification Sherloc (09022015). Collection method: clinical testing. Allele origin: germline.

Blueprint Genetics
Classification: Likely benign. Last evaluated: 2024-11-20. Review status: criteria provided, single submitter. Criteria: ACMG Guidelines, 2015. Collection method: clinical testing. Allele origin: germline.

GeneDx
Classification: Likely benign. Last evaluated: 2020-08-26. Review status: criteria provided, single submitter. Criteria: GeneDx Variant Classification Process June 2021. Collection method: clinical testing. Allele origin: germline. Affected: yes.
Comment: This variant is associated with the following publications: (PMID: 28738883)

Illumina Laboratory Services, Illumina
Classification: Benign for Type II Collagenopathies. Last evaluated: 2018-01-12. Review status: criteria provided, single submitter. Criteria: ICSL Variant Classification Criteria 13 December 2019. Collection method: clinical testing. Allele origin: germline.
Comment: This variant was observed in the ICSL laboratory as part of a predisposition screen in an ostensibly healthy population. It had not been previously curated by ICSL or reported in the Human Gene Mutation Database (HGMD: prior to June 1st, 2018), and was therefore a candidate for classification through an automated scoring system. Utilizing variant allele frequency, disease prevalence and penetrance estimates, and inheritance mode, an automated score was calculated to assess if this variant is too frequent to cause the disease. Based on the score and internal cut-off values, a variant classified as benign is not then subjected to further curation. The score for this variant resulted in a classification of benign for this disease.

Illumina Laboratory Services, Illumina
Classification: Likely benign for Stickler syndrome type 1. Last evaluated: 2018-01-12. Review status: criteria provided, single submitter. Criteria: ICSL Variant Classification Criteria 13 December 2019. Collection method: clinical testing. Allele origin: germline.
Comment: This variant was observed in the ICSL laboratory as part of a predisposition screen in an ostensibly healthy population. It had not been previously curated by ICSL or reported in the Human Gene Mutation Database (HGMD: prior to June 1st, 2018), and was therefore a candidate for classification through an automated scoring system. Utilizing variant allele frequency, disease prevalence and penetrance estimates, and inheritance mode, an automated score was calculated to assess if this variant is too frequent to cause the disease. Based on the score and internal cut-off values, a variant classified as likely benign is not then subjected to further curation. The score for this variant resulted in a classification of likely benign for this disease.